The following is an entry in ClinVar:

ClinVar aggregate classification (germline): Pathogenic (1 of 4 stars; one submission).

Conditions:
Ornithine aminotransferase deficiency (GACR). Also called: OKT DEFICIENCY; HYPERORNITHINEMIA WITH GYRATE ATROPHY OF CHOROID AND RETINA; OAT DEFICIENCY; Ornithine ketoacid aminotransferase deficiency; Gyrate atrophy; Gyrate atrophy of choroid and retina. Identifiers: Orphanet 414, MedGen C0018425, MONDO:0009796, OMIM 258870.

Submission:

Labcorp Genetics (formerly Invitae), Labcorp
Classification: Pathogenic for Ornithine aminotransferase deficiency. Last evaluated: 2023-03-26. Review status: criteria provided, single submitter. Criteria: Invitae Variant Classification Sherloc (09022015). Collection method: clinical testing. Allele origin: germline.
Comment: For these reasons, this variant has been classified as Pathogenic. This variant has not been reported in the literature in individuals affected with OAT-related conditions. This variant is not present in population databases (gnomAD no frequency). This sequence change creates a premature translational stop signal (p.Asn176Thrfs*54) in the OAT gene. It is expected to result in an absent or disrupted protein product. Loss-of-function variants in OAT are known to be pathogenic (PMID: 1737786, 23076989).

Literature cited by the submitters: PubMed 1737786; PubMed 23076989.

NM_000274.4(OAT):c.525del (p.Asn176fs)

Gene: OAT (ornithine aminotransferase; minus strand). Cytogenetic location: 10q26.13.
Variant type: Deletion.
Coding change: c.525del on transcript NM_000274.4 (MANE Select); coding-DNA position 525, one base deleted (G; older notation c.525delG).
Protein change: p.Asn176fs; shifts the reading frame from asparagine 176.
Molecular consequence: frameshift variant. On other transcripts: 5 prime UTR variant (1).
Genome position (GRCh38, 1-based): chr10:124,405,559, C deleted on the plus strand (G on the coding strand, the reverse complement: OAT is on the minus strand); the first of 3 consecutive C bases (chr10:124,405,559-124,405,561); deleting any one gives the same sequence. VCF-style (leftmost placement, unchanged base first): chr10-124405558-TC-T. GRCh37 (hg19) VCF-style: chr10-126094127-TC-T.
Other names: c.111del, p.Asn38fs (NM_001171814.2); c.525del, p.Asn176fs (NM_001322965.2, NM_001322966.2, NM_001322967.2 and 3 more transcripts); c.204del, p.Asn69fs (NM_001322971.2); c.-76del (NM_001322974.2); short protein forms N176fs, N38fs, N69fs.
Identifiers: ClinVar variation 2849678 (VCV002849678.3), dbSNP rs2494477759, ClinGen allele CA2739276048.